The following is an entry in ClinVar:

ClinVar aggregate classification (germline): Pathogenic (1 of 4 stars; one submission).

Submission:

GeneDx
Classification: Pathogenic. Last evaluated: 2016-12-02. Review status: criteria provided, single submitter. Criteria: GeneDx Variant Classification (06012015). Collection method: clinical testing. Allele origin: germline. Affected: yes.
Comment: The c.3016_3020dupAGCTC variant in the ARID1B gene has not been reported previously as a pathogenic variant nor as a benign variant, to our knowledge. The c.3016_3020dupAGCTC variant causes a frameshift starting with codon Alanine 1009, changes this amino acid to an Arginine residue, and creates a premature Stop codon at position 10 of the new reading frame, denoted p.Ala1009ArgfsX10. This variant is predicted to cause loss of normal protein function either through protein truncation or nonsense-mediated mRNA decay. The c.3016_3020dupAGCTC variant was not observed in approximately 6500 individuals of European and African American ancestry in the NHLBI Exome Sequencing Project, indicating it is not a common benign variant in these populations. We interpret c.3016_3020dupAGCTC as a pathogenic variant.

NM_001374828.1(ARID1B):c.3226_3230dup (p.Ala1079fs)

Gene: ARID1B (AT-rich interaction domain 1B; plus strand). Cytogenetic location: 6q25.3.
Variant type: Duplication.
Coding change: c.3226_3230dup on transcript NM_001374828.1 (MANE Select); coding-DNA positions 3226 to 3230, 5 bases duplicated (AGCTC; older notation c.3226_3230dupAGCTC).
Protein change: p.Ala1079fs; shifts the reading frame from alanine 1079.
Molecular consequence: frameshift variant.
Genome position (GRCh38, 1-based): chr6:157,167,176-157,167,180, AGCTC duplicated; duplicating any 5 consecutive bases within chr6:157,167,175-157,167,180 gives the same sequence; the c. name uses the placement nearest the transcript's 3' end. VCF-style (leftmost placement, unchanged base first): chr6-157167174-A-ACAGCT. GRCh37 (hg19) VCF-style: chr6-157488308-A-ACAGCT.
Other names: c.3016_3020dupAGCTC (NM_020732.3); c.727_731dup, p.Ala246fs (NM_001363725.2); c.3265_3269dup, p.Ala1092fs (NM_001371656.1, NM_001374820.1); c.3226_3230dup, p.Ala1079fs (NM_017519.3); short protein forms A246fs, A1079fs, A1092fs.
Identifiers: ClinVar variation 373383 (VCV000373383.2), dbSNP rs1057518387, ClinGen allele CA16042641.